The following is an entry in ClinVar:

ClinVar aggregate classification (germline): Likely benign (0 of 4 stars; one submission).

Conditions:
PPARG-related disorder. Also called: PPARG-related disorders; PPARG-related condition.

Allele frequency attached by ClinVar (database versions not stated): ESP Exome Variant Server 0.00008; ExAC 0.00012; gnomAD exomes 0.00017; gnomAD 0.00018; TOPMed 0.00019.
gnomAD v4.1: 266 of 1,611,190 alleles (0.017%); highest among the groups gnomAD compares: Admixed American, 0.037%; 1 homozygote.

Submission:

PreventionGenetics, part of Exact Sciences
Classification: Likely benign for PPARG-related condition. Last evaluated: 2021-09-29. Review status: no assertion criteria provided. Collection method: clinical testing. Allele origin: germline.
Comment: This variant is classified as likely benign based on ACMG/AMP sequence variant interpretation guidelines (Richards et al. 2015 PMID: 25741868, with internal and published modifications).

NM_138711.6(PPARG):c.729+25T>C

Genes: PPARG (peroxisome proliferator activated receptor gamma; plus strand), LOC114803475 (PPARG eExon liver enhancer; plus strand). Cytogenetic location: 3p25.2.
Variant type: single nucleotide variant.
Coding change: c.729+25T>C on transcript NM_138711.6 (MANE Select); 25 bases into the intron after coding-DNA position 729, T replaced by C.
Molecular consequence: intron variant. On other transcripts: synonymous variant (2).
Genome position (GRCh38, 1-based): chr3:12,406,106, T>C. VCF-style: chr3-12406106-T-C. GRCh37 (hg19) VCF-style: chr3-12447605-T-C.
Other names: c.729+25T>C (NM_001354666.3, NM_138712.5, NM_005037.7 and 6 more transcripts); c.103-10598T>C (NM_001354669.2); c.653+107T>C (NM_001374266.1); c.819+25T>C (NM_015869.5, NM_001374265.1); c.844T>C, p.Leu282= (NM_001354668.2); c.760T>C, p.Leu254= (NM_001354670.2).
Identifiers: ClinVar variation 3040523 (VCV003040523.2), dbSNP rs201210778, ClinGen allele CA2258251.